The following is an entry in ClinVar:

NM_000271.5(NPC1):c.248_249del (p.Leu83fs)

Gene: NPC1 (NPC intracellular cholesterol transporter 1; minus strand). Cytogenetic location: 18q11.2.
Variant type: Deletion.
Coding change: c.248_249del on transcript NM_000271.5 (MANE Select); coding-DNA positions 248 to 249, 2 bases deleted (TA; older notation c.248_249delTA).
Protein change: p.Leu83fs; shifts the reading frame from leucine 83.
Molecular consequence: frameshift variant.
Genome position (GRCh38, 1-based): chr18:23,572,112-23,572,113, TA deleted on the plus strand (TA on the coding strand, the reverse complement: NPC1 is on the minus strand). VCF-style (leftmost placement, unchanged base first): chr18-23572111-TTA-T. GRCh37 (hg19) VCF-style: chr18-21152075-TTA-T.
Other names: short protein forms L83fs.
Identifiers: ClinVar variation 1071813 (VCV001071813.8), dbSNP rs2145544570, ClinGen allele CA2499225074.

ClinVar aggregate classification (germline): Pathogenic (1 of 4 stars; one submission).

Conditions:
Niemann-Pick disease, type C1. Also called: NEUROVISCERAL STORAGE DISEASE WITH VERTICAL SUPRANUCLEAR OPHTHALMOPLEGIA; NIEMANN-PICK DISEASE WITH CHOLESTEROL ESTERIFICATION BLOCK; NIEMANN-PICK DISEASE WITHOUT SPHINGOMYELINASE DEFICIENCY; NIEMANN-PICK DISEASE, CHRONIC NEURONOPATHIC FORM; NIEMANN-PICK DISEASE, VARIANT TYPE C1. Identifiers: Orphanet 646, MedGen C3179455, MONDO:0009757, OMIM 257220.

Submission:

Labcorp Genetics (formerly Invitae), Labcorp
Classification: Pathogenic for Niemann-Pick disease, type C1. Last evaluated: 2022-06-13. Review status: criteria provided, single submitter. Criteria: Invitae Variant Classification Sherloc (09022015). Collection method: clinical testing. Allele origin: germline.
Comment: For these reasons, this variant has been classified as Pathogenic. ClinVar contains an entry for this variant (Variation ID: 1071813). This variant has not been reported in the literature in individuals affected with NPC1-related conditions. This variant is not present in population databases (gnomAD no frequency). This sequence change creates a premature translational stop signal (p.Leu83Glnfs*20) in the NPC1 gene. It is expected to result in an absent or disrupted protein product. Loss-of-function variants in NPC1 are known to be pathogenic (PMID: 9211850).

Literature cited by the submitters: PubMed 9211850.